The following is an entry in ClinVar:

NM_000384.3(APOB):c.13162T>C (p.Tyr4388His)

Gene: APOB (apolipoprotein B; minus strand). Cytogenetic location: 2p24.1.
Variant type: single nucleotide variant.
Coding change: c.13162T>C on transcript NM_000384.3 (MANE Select); coding-DNA position 13162, T replaced by C.
Protein change: p.Tyr4388His; replaces tyrosine 4388 with histidine.
Molecular consequence: missense variant.
Genome position (GRCh38, 1-based): chr2:21,002,260, A>G on the plus strand (T>C on the coding strand, the complement: APOB is on the minus strand). VCF-style: chr2-21002260-A-G. GRCh37 (hg19) VCF-style: chr2-21225132-A-G.
Other names: short protein forms Y4388H.
Identifiers: ClinVar variation 4842890 (VCV004842890.1).
Genomic context (GRCh38, chr2:21,002,260, plus strand): 5'-CTATCTTTTCTTCAAGTTCATAATATTTCACTGTCCAGCCAACTATACTTGGATCAAAAT[A>G]TTCTTCACGAAGGGCCATAATGTATTGATGGATCTGCTGTAACTCTTGAGAAGCTTCCTG-3'
Protein context (NP_000375.3, residues 4378-4398): HQYIMALREE[Tyr4388His]FDPSIVGWTV

ClinVar aggregate classification (germline): Uncertain significance (1 of 4 stars; one submission).

Conditions:
Cardiovascular phenotype. Identifiers: MedGen CN230736.

Submission:

Ambry Genetics
Classification: Uncertain significance for Cardiovascular phenotype. Last evaluated: 2026-01-12. Review status: criteria provided, single submitter. Criteria: Ambry Variant Classification Scheme 2023. Collection method: clinical testing. Allele origin: germline.
Comment: The p.Y4388H variant (also known as c.13162T>C), located in coding exon 29 of the APOB gene, results from a T to C substitution at nucleotide position 13162. The tyrosine at codon 4388 is replaced by histidine, an amino acid with similar properties. This amino acid position is conserved. In addition, this alteration is predicted to be tolerated by in silico analysis. Based on the available evidence, the clinical significance of this variant remains unclear.